The following is an entry in ClinVar:

ClinVar aggregate classification (germline): Uncertain significance (1 of 4 stars; one submission).

Conditions:
PEX1-related disorder. Also called: PEX1-related condition.

gnomAD v4.1: 2 of 1,612,862 alleles (0.00012%); highest among the groups gnomAD compares: Non-Finnish European, 0.000085%; no homozygotes.

Submission:

PreventionGenetics, part of Exact Sciences
Classification: Uncertain significance for PEX1-related condition. Last evaluated: 2025-03-20. Review status: criteria provided, single submitter. Criteria: ACMG Guidelines, 2015. Collection method: clinical testing. Allele origin: germline.
Comment: The PEX1 c.3082G>C variant is predicted to result in the amino acid substitution p.Asp1028His. To our knowledge, this variant has not been reported in the literature or in a large population database (gnomAD), indicating this variant is rare. At this time, the clinical significance of this variant is uncertain due to the absence of conclusive functional and genetic evidence.

NM_000466.3(PEX1):c.3082G>C (p.Asp1028His)

Genes: GATAD1 (GATA zinc finger domain containing 1; plus strand), PEX1 (peroxisomal biogenesis factor 1; minus strand). Cytogenetic location: 7q21.2.
Variant type: single nucleotide variant.
Coding change: c.3082G>C on transcript NM_000466.3 (MANE Select); coding-DNA position 3082, G replaced by C.
Protein change: p.Asp1028His; replaces aspartic acid 1028 with histidine.
Molecular consequence: missense variant.
Genome position (GRCh38, 1-based): chr7:92,493,078, C>G on the plus strand (G>C on the coding strand, the complement: PEX1 is on the minus strand). VCF-style: chr7-92493078-C-G. GRCh37 (hg19) VCF-style: chr7-92122392-C-G.
Other names: c.2911G>C, p.Asp971His (NM_001282677.2); c.2458G>C, p.Asp820His (NM_001282678.2); short protein forms D971H, D1028H, D820H.
Identifiers: ClinVar variation 5001225 (VCV005001225.1).